The following is an entry in ClinVar:

NM_018389.5(SLC35C1):c.1032G>A (p.Glu344=)

Gene: SLC35C1 (solute carrier family 35 member C1; plus strand). Cytogenetic location: 11p11.2.
Variant type: single nucleotide variant.
Coding change: c.1032G>A on transcript NM_018389.5 (MANE Select); coding-DNA position 1032, G replaced by A.
Protein change: p.Glu344=; no amino-acid change (glutamic acid 344 retained).
Molecular consequence: synonymous variant.
Genome position (GRCh38, 1-based): chr11:45,811,272, G>A. VCF-style: chr11-45811272-G-A. GRCh37 (hg19) VCF-style: chr11-45832823-G-A.
Other names: c.993G>A, p.Glu331= (NM_001145265.2, NM_001145266.2).
Identifiers: ClinVar variation 382612 (VCV000382612.1), dbSNP rs1057521399, ClinGen allele CA16606312.

ClinVar aggregate classification (germline): Likely benign (1 of 4 stars; one submission).

Submission:

GeneDx
Classification: Likely benign. Last evaluated: 2016-02-11. Review status: criteria provided, single submitter. Criteria: GeneDx Variant Classification (06012015). Collection method: clinical testing. Allele origin: germline. Affected: yes.
Comment: This variant is considered likely benign or benign based on one or more of the following criteria: it is a conservative change, it occurs at a poorly conserved position in the protein, it is predicted to be benign by multiple in silico algorithms, and/or has population frequency not consistent with disease.